The following is an entry in ClinVar:

NM_138694.4(PKHD1):c.2141-3T>C

Gene: PKHD1 (PKHD1 ciliary IPT domain containing fibrocystin/polyductin; minus strand). Cytogenetic location: 6p12.2.
Variant type: single nucleotide variant.
Coding change: c.2141-3T>C on transcript NM_138694.4 (MANE Select); 3 bases into the intron before coding-DNA position 2141, T replaced by C.
Molecular consequence: intron variant.
Genome position (GRCh38, 1-based): chr6:52,050,298, A>G on the plus strand (T>C on the coding strand, the complement: PKHD1 is on the minus strand). VCF-style: chr6-52050298-A-G. GRCh37 (hg19) VCF-style: chr6-51915096-A-G.
Other names: c.2141-3T>C (NM_170724.3, NM_138694.3).
Identifiers: ClinVar variation 597575 (VCV000597575.8), dbSNP rs765009465, ClinGen allele CA3853318.
Genomic context (GRCh38, chr6:52,050,298, plus strand): 5'-GAGACTGATTCCACCAGATTGCCCCCTGGGCGAGCCGTTCCAGAATCAGCTTGAGAAACT[A>G]GAGACCAGTGATCCAATTACTATCAAGTGACTTAAGATGGTAGACTTGCTGTGTGGAAAA-3'

ClinVar aggregate classification (germline): Uncertain significance. Review status: criteria provided, multiple submitters, no conflicts (2 of 4 stars). 3 submissions from 3 submitters: Uncertain significance (3). Last evaluated 2024-12-18.

Conditions:
Inborn genetic diseases. Identifiers: MedGen C0950123, MeSH D030342.
Polycystic kidney disease 4 (PKD4). Also called: POLYCYSTIC KIDNEY AND HEPATIC DISEASE 1; POLYCYSTIC KIDNEY DISEASE, INFANTILE, TYPE I; Autosomal Recessive Polycystic Kidney Disease – PKHD1; PKD3; POLYCYSTIC KIDNEY DISEASE 4 WITH OR WITHOUT POLYCYSTIC LIVER DISEASE. Identifiers: MedGen C4540575, MONDO:0033004, OMIM 263200.

Allele frequency attached by ClinVar (database versions not stated): gnomAD exomes 0.00002 and 0.00010; gnomAD 0.00004; TOPMed 0.00005; ExAC 0.00011.
gnomAD v4.1: 37 of 1,613,962 alleles (0.0023%); highest among the groups gnomAD compares: East Asian, 0.08%; no homozygotes.

Submissions (3):

Ambry Genetics
Classification: Uncertain significance for Inborn genetic diseases. Last evaluated: 2024-12-18. Review status: criteria provided, single submitter. Criteria: Ambry Variant Classification Scheme 2023. Collection method: clinical testing. Allele origin: germline.
Comment: The c.2141-3T>C intronic alteration consists of a T to C substitution 3 nucleotides before coding exon 21 in the PKHD1 gene. Based on insufficient or conflicting evidence, the clinical significance of this alteration remains unclear.

Eurofins Ntd Llc (ga)
Classification: Uncertain significance. Last evaluated: 2018-06-12. Review status: criteria provided, single submitter. Criteria: EGL ClinVar v180209 classification definitions. Collection method: clinical testing. Allele origin: germline. Observed: 1 variant allele, 1 heterozygote.

Juno Genomics, Hangzhou Juno Genomics, Inc
Classification: Uncertain significance for Polycystic kidney disease 4. Review status: criteria provided, single submitter. Criteria: ACMG Guidelines, 2015. Collection method: clinical testing. Allele origin: germline.
Comment: Absent from controls (or at extremely low frequency if recessive) in Genome Aggregation Database.;Multiple lines of computational evidence support a deleterious effect on the gene or gene product.;For recessive disorders, detected in trans with a pathogenic variant.